The following is an entry in ClinVar:

NM_000038.6(APC):c.6264A>G (p.Ser2088=)

Gene: APC (APC regulator of Wnt signaling pathway; plus strand). Cytogenetic location: 5q22.2.
Variant type: single nucleotide variant.
Coding change: c.6264A>G on transcript NM_000038.6 (MANE Select); coding-DNA position 6264, A replaced by G.
Protein change: p.Ser2088=; no amino-acid change (serine 2088 retained).
Molecular consequence: synonymous variant.
Genome position (GRCh38, 1-based): chr5:112,841,858, A>G. VCF-style: chr5-112841858-A-G. GRCh37 (hg19) VCF-style: chr5-112177555-A-G.
Other names: c.6264A>G, p.Ser2088= (NM_001127510.3, NM_001354895.2); c.6210A>G, p.Ser2070= (NM_001127511.3); c.6318A>G, p.Ser2106= (NM_001354896.2); c.6294A>G, p.Ser2098= (NM_001354897.2); c.6189A>G, p.Ser2063= (NM_001354898.2); c.6180A>G, p.Ser2060= (NM_001354899.2); c.6141A>G, p.Ser2047= (NM_001354900.2); c.6087A>G, p.Ser2029= (NM_001354901.2); and 6 more.
Identifiers: ClinVar variation 1139882 (VCV001139882.12), dbSNP rs2149960978, ClinGen allele CA446209494.

ClinVar aggregate classification (germline): Benign/Likely benign. Review status: criteria provided, multiple submitters, no conflicts (2 of 4 stars). 3 submissions from 3 submitters: Benign (1); Likely benign (2). Last evaluated 2024-12-16.

Conditions:
Hereditary cancer-predisposing syndrome. Also called: Hereditary Cancer Syndrome; Neoplastic Syndromes, Hereditary; Hereditary neoplastic syndrome; Tumor predisposition. Identifiers: Orphanet 140162, MedGen C0027672, MeSH D009386, MONDO:0015356.
Familial adenomatous polyposis 1 (FAP1). Also called: FAMILIAL ADENOMATOUS POLYPOSIS 1, ATTENUATED; POLYPOSIS, ADENOMATOUS INTESTINAL. Identifiers: MedGen C2713442, MONDO:0021056, OMIM 175100. Disease mechanism: loss of function.

Submissions (3):

Ambry Genetics
Classification: Likely benign for Hereditary cancer-predisposing syndrome. Last evaluated: 2024-12-16. Review status: criteria provided, single submitter. Criteria: Ambry Variant Classification Scheme 2023. Collection method: clinical testing. Allele origin: germline.

Myriad Genetics, Inc.
Classification: Benign for Familial adenomatous polyposis 1. Last evaluated: 2024-04-04. Review status: criteria provided, single submitter. Criteria: Myriad Autosomal Dominant, Autosomal Recessive and X-Linked Classification Criteria (2023). Collection method: clinical testing. Allele origin: unknown.
Comment: This variant is considered benign. This variant is a silent/synonymous amino acid change and it is not expected to impact splicing.

Labcorp Genetics (formerly Invitae), Labcorp
Classification: Likely benign for Familial adenomatous polyposis 1. Last evaluated: 2023-03-21. Review status: criteria provided, single submitter. Criteria: Invitae Variant Classification Sherloc (09022015). Collection method: clinical testing. Allele origin: germline.